The following is an entry in ClinVar:

ClinVar aggregate classification (germline): Uncertain significance. Review status: criteria provided, multiple submitters, no conflicts (2 of 4 stars). 2 submissions from 2 submitters: Uncertain significance (2). Last evaluated 2024-11-05.

Allele frequency attached by ClinVar (database versions not stated): gnomAD exomes below 0.00001 and 0.00003; ExAC 0.00006; gnomAD 0.00007; TOPMed 0.00008; 1000 Genomes Project 30x 0.00016; 1000 Genomes Project 0.00020.

Submissions (2):

Labcorp Genetics (formerly Invitae), Labcorp
Classification: Uncertain significance. Last evaluated: 2024-11-05. Review status: criteria provided, single submitter. Criteria: Invitae Variant Classification Sherloc (09022015). Collection method: clinical testing. Allele origin: germline.
Comment: This sequence change replaces proline, which is neutral and non-polar, with leucine, which is neutral and non-polar, at codon 295 of the CLCC1 protein (p.Pro295Leu). This variant is present in population databases (rs201488394, gnomAD 0.02%). This variant has not been reported in the literature in individuals affected with CLCC1-related conditions. ClinVar contains an entry for this variant (Variation ID: 1516236). An algorithm developed to predict the effect of missense changes on protein structure and function (PolyPhen-2) suggests that this variant is likely to be disruptive. In summary, the available evidence is currently insufficient to determine the role of this variant in disease. Therefore, it has been classified as a Variant of Uncertain Significance.

Ambry Genetics
Classification: Uncertain significance. Last evaluated: 2023-08-08. Review status: criteria provided, single submitter. Criteria: Ambry Variant Classification Scheme 2023. Collection method: clinical testing. Allele origin: germline.

NM_001377458.1(CLCC1):c.884C>T (p.Pro295Leu)

Gene: CLCC1 (chloride channel CLIC like 1; minus strand). Cytogenetic location: 1p13.3.
Variant type: single nucleotide variant.
Coding change: c.884C>T on transcript NM_001377458.1 (MANE Select); coding-DNA position 884, C replaced by T.
Protein change: p.Pro295Leu; replaces proline 295 with leucine.
Molecular consequence: missense variant. On other transcripts: non-coding transcript variant (1), intron variant (1).
Genome position (GRCh38, 1-based): chr1:108,940,055, G>A on the plus strand (C>T on the coding strand, the complement: CLCC1 is on the minus strand). VCF-style: chr1-108940055-G-A. GRCh37 (hg19) VCF-style: chr1-109482677-G-A.
Other names: c.884C>T (NM_001048210.1); c.884C>T, p.Pro295Leu (NM_001048210.3, NM_001377459.1, NM_001377460.1 and 8 more transcripts); c.521C>T, p.Pro174Leu (NM_001278202.2); c.782C>T, p.Pro261Leu (NM_001377469.1); c.593C>T, p.Pro198Leu (NM_001377470.1); c.734C>T, p.Pro245Leu (NM_015127.5); c.340-273C>T (NM_001278203.1); short protein forms P174L, P198L, P245L, P261L, P295L.
Identifiers: ClinVar variation 1516236 (VCV001516236.8), dbSNP rs201488394, ClinGen allele CA983486.